The following is an entry in ClinVar:

NM_001844.5(COL2A1):c.3061C>A (p.Pro1021Thr)

Gene: COL2A1 (collagen type II alpha 1 chain; minus strand). Cytogenetic location: 12q13.11.
Variant type: single nucleotide variant.
Coding change: c.3061C>A on transcript NM_001844.5 (MANE Select); coding-DNA position 3061, C replaced by A.
Protein change: p.Pro1021Thr; replaces proline 1021 with threonine.
Molecular consequence: missense variant.
Genome position (GRCh38, 1-based): chr12:47,978,060, G>T on the plus strand (C>A on the coding strand, the complement: COL2A1 is on the minus strand). VCF-style: chr12-47978060-G-T. GRCh37 (hg19) VCF-style: chr12-48371843-G-T.
Other names: c.2854C>A, p.Pro952Thr (NM_033150.3); short protein forms P1021T, P952T.
Identifiers: ClinVar variation 4747054 (VCV004747054.1).
Genomic context (GRCh38, chr12:47,978,060, plus strand): 5'-CACTGCTCACCTCTCGTCCAGGTTCACCTGCAGGACCCGTCAGGCCAGGAGGACCCACGG[G>T]GCCAGGAGGACCTCTGTCTCCAGATGCTCCAGGAGCACCCTGCTTGCCGGGCTCACCCTG-3'
Protein context (NP_001835.3, residues 1011-1031): GASGDRGPPG[Pro1021Thr]VGPPGLTGPA

ClinVar aggregate classification (germline): Uncertain significance (1 of 4 stars; one submission).

Submission:

Labcorp Genetics (formerly Invitae), Labcorp
Classification: Uncertain significance. Last evaluated: 2025-10-12. Review status: criteria provided, single submitter. Criteria: Invitae Variant Classification Sherloc (09022015). Collection method: clinical testing. Allele origin: germline.
Comment: This sequence change replaces proline, which is neutral and non-polar, with threonine, which is neutral and polar, at codon 1021 of the COL2A1 protein (p.Pro1021Thr). This variant is not present in population databases (gnomAD no frequency). This variant has not been reported in the literature in individuals affected with COL2A1-related conditions. Invitae Evidence Modeling of protein sequence and biophysical properties (such as structural, functional, and spatial information, amino acid conservation, physicochemical variation, residue mobility, and thermodynamic stability) has been performed for this missense variant. However, the output from this modeling did not meet the statistical confidence thresholds required to predict the impact of this variant on COL2A1 protein function. In summary, the available evidence is currently insufficient to determine the role of this variant in disease. Therefore, it has been classified as a Variant of Uncertain Significance.